The following is an entry in ClinVar:

ClinVar aggregate classification (germline): Uncertain significance. Review status: criteria provided, single submitter (1 of 4 stars). 2 submissions from 2 submitters: Uncertain significance (1). 1 of the submissions does not count toward it. Last evaluated 2022-01-13.

Conditions:
Retinal dystrophy. Also called: Inherited retinal dystrophy. Identifiers: Orphanet 71862, MedGen C0854723, MeSH D058499, MONDO:0019118, HP:0000556.

Allele frequency attached by ClinVar (database versions not stated): TOPMed below 0.00001; gnomAD 0.00001; gnomAD exomes 0.00001; ExAC 0.00002.
gnomAD v4.1: 11 of 1,610,444 alleles (0.00068%); highest among the groups gnomAD compares: African/African-American, 0.0027%; no homozygotes.

Submissions (2):

Labcorp Genetics (formerly Invitae), Labcorp
Classification: Uncertain significance. Last evaluated: 2022-01-13. Review status: criteria provided, single submitter. Criteria: Invitae Variant Classification Sherloc (09022015). Collection method: clinical testing. Allele origin: germline.
Comment: This sequence change replaces arginine with cysteine at codon 378 of the TULP1 protein (p.Arg378Cys). The arginine residue is weakly conserved and there is a large physicochemical difference between arginine and cysteine. The frequency data for this variant in the population databases is considered unreliable, as metrics indicate poor data quality at this position in the gnomAD database. This variant has not been reported in the literature in individuals affected with TULP1-related conditions. Algorithms developed to predict the effect of missense changes on protein structure and function are either unavailable or do not agree on the potential impact of this missense change (SIFT: "Not Available"; PolyPhen-2: "Probably Damaging"; Align-GVGD: "Not Available"). In summary, the available evidence is currently insufficient to determine the role of this variant in disease. Therefore, it has been classified as a Variant of Uncertain Significance.

Institute of Human Genetics, Univ. Regensburg, Univ. Regensburg
Classification: Likely pathogenic for Retinal dystrophy. Last evaluated: 2020-01-01. Review status: no assertion criteria provided. Criteria: ACMG Guidelines, 2015. Collection method: clinical testing. Allele origin: germline. Affected: yes. Not counted in ClinVar's aggregate classification.

NM_003322.6(TULP1):c.1132C>T (p.Arg378Cys)

Gene: TULP1 (TUB like protein 1; minus strand). Cytogenetic location: 6p21.31.
Variant type: single nucleotide variant.
Coding change: c.1132C>T on transcript NM_003322.6 (MANE Select); coding-DNA position 1132, C replaced by T.
Protein change: p.Arg378Cys; replaces arginine 378 with cysteine.
Molecular consequence: missense variant.
Genome position (GRCh38, 1-based): chr6:35,503,829, G>A on the plus strand (C>T on the coding strand, the complement: TULP1 is on the minus strand). VCF-style: chr6-35503829-G-A. GRCh37 (hg19) VCF-style: chr6-35471606-G-A.
Other names: c.973C>T, p.Arg325Cys (NM_001289395.2); short protein forms R378C, R325C.
Identifiers: ClinVar variation 1482437 (VCV001482437.4), dbSNP rs749599096, ClinGen allele CA3772646.
Genomic context (GRCh38, chr6:35,503,829, plus strand): 5'-TTGCCACATTAGTGCTGTACCCACGCTGTGGGTTCTGCCCGTTGTCAAAGACCGTGAAGC[G>A]GTTCCCCAGGAGGTTGGACCTGCAAGCAGGGTAGAGCTTGGGGTGGGGCTGAGGGGATCC-3'
Protein context (NP_003313.3, residues 368-388): GKLRSNLLGN[Arg378Cys]FTVFDNGQNP